The following is an entry in ClinVar:

NM_005633.4(SOS1):c.494C>G (p.Ala165Gly)

Gene: SOS1 (SOS Ras/Rac guanine nucleotide exchange factor 1; minus strand). Cytogenetic location: 2p22.1.
Variant type: single nucleotide variant.
Coding change: c.494C>G on transcript NM_005633.4 (MANE Select); coding-DNA position 494, C replaced by G.
Protein change: p.Ala165Gly; replaces alanine 165 with glycine.
Molecular consequence: missense variant.
Genome position (GRCh38, 1-based): chr2:39,056,718, G>C on the plus strand (C>G on the coding strand, the complement: SOS1 is on the minus strand). VCF-style: chr2-39056718-G-C. GRCh37 (hg19) VCF-style: chr2-39283859-G-C.
Other names: p.Ala165Gly; c.473C>G, p.Ala158Gly (NM_001382394.1); c.494C>G, p.Ala165Gly (NM_001382395.1); short protein forms A165G, A158G.
Identifiers: ClinVar variation 561352 (VCV000561352.5), dbSNP rs1558492346, ClinGen allele CA346373422.

ClinVar aggregate classification (germline): Uncertain significance. Review status: criteria provided, multiple submitters, no conflicts (2 of 4 stars). 3 submissions from 3 submitters: Uncertain significance (3). Last evaluated 2025-10-30.

Conditions:
RASopathy. Also called: Noonan spectrum disorder; rasopathies. Identifiers: Orphanet 536391, MedGen C5555857, MONDO:0021060.

Submissions (3):

Labcorp Genetics (formerly Invitae), Labcorp
Classification: Uncertain significance for RASopathy. Last evaluated: 2025-10-30. Review status: criteria provided, single submitter. Criteria: Invitae Variant Classification Sherloc (09022015). Collection method: clinical testing. Allele origin: germline.
Comment: This sequence change replaces alanine, which is neutral and non-polar, with glycine, which is neutral and non-polar, at codon 165 of the SOS1 protein (p.Ala165Gly). This variant is not present in population databases (gnomAD no frequency). This variant has not been reported in the literature in individuals affected with SOS1-related conditions. ClinVar contains an entry for this variant (Variation ID: 561352). Invitae Evidence Modeling of protein sequence and biophysical properties (such as structural, functional, and spatial information, amino acid conservation, physicochemical variation, residue mobility, and thermodynamic stability) indicates that this missense variant is expected to disrupt SOS1 protein function with a positive predictive value of 80%. In summary, the available evidence is currently insufficient to determine the role of this variant in disease. Therefore, it has been classified as a Variant of Uncertain Significance.

Mayo Clinic Laboratories, Mayo Clinic
Classification: Uncertain significance. Last evaluated: 2023-10-30. Review status: criteria provided, single submitter. Criteria: ACMG Guidelines, 2015. Collection method: clinical testing. Allele origin: germline. Observed: 1 variant allele.
Comment: PP3, PM2

GeneDx
Classification: Uncertain significance. Last evaluated: 2018-02-26. Review status: criteria provided, single submitter. Criteria: GeneDx Variant Classification (06012015). Collection method: clinical testing. Allele origin: germline. Affected: yes.
Comment: The A165G variant of uncertain significance in the SOS1 gene has not been published as pathogenic or benign to our knowledge. The A165G variant is a conservative amino acid substitution, which is not likely to impact secondary protein structure as these residues share similar properties. However, in-silico analyses, including protein predictors and evolutionary conservation, support a deleterious effect. In addition, this novel variant is not observed in large population cohorts (Lek et al., 2016).